The following is an entry in ClinVar:

ClinVar aggregate classification (germline): Uncertain significance (1 of 4 stars; one submission).

Allele frequency attached by ClinVar (database versions not stated): gnomAD exomes below 0.00001.
gnomAD v4.1: 1 of 1,607,822 alleles (0.000062%); highest among the groups gnomAD compares: African/African-American, 0.0013%; no homozygotes.

Submission:

Labcorp Genetics (formerly Invitae), Labcorp
Classification: Uncertain significance. Last evaluated: 2021-08-26. Review status: criteria provided, single submitter. Criteria: Invitae Variant Classification Sherloc (09022015). Collection method: clinical testing. Allele origin: germline.
Comment: This sequence change replaces aspartic acid with valine at codon 356 of the PCDH15 protein (p.Asp356Val). The aspartic acid residue is highly conserved and there is a large physicochemical difference between aspartic acid and valine. This variant is not present in population databases (ExAC no frequency). This variant has not been reported in the literature in individuals affected with PCDH15-related conditions. Algorithms developed to predict the effect of missense changes on protein structure and function are either unavailable or do not agree on the potential impact of this missense change (SIFT: "Deleterious"; PolyPhen-2: "Possibly Damaging"; Align-GVGD: "Class C0"). In summary, the available evidence is currently insufficient to determine the role of this variant in disease. Therefore, it has been classified as a Variant of Uncertain Significance.

NM_001384140.1(PCDH15):c.1067A>T (p.Asp356Val)

Gene: PCDH15 (protocadherin related 15; minus strand). Cytogenetic location: 10q21.1.
Variant type: single nucleotide variant.
Coding change: c.1067A>T on transcript NM_001384140.1 (MANE Select); coding-DNA position 1067, A replaced by T.
Protein change: p.Asp356Val; replaces aspartic acid 356 with valine.
Molecular consequence: missense variant.
Genome position (GRCh38, 1-based): chr10:54,213,967, T>A on the plus strand (A>T on the coding strand, the complement: PCDH15 is on the minus strand). VCF-style: chr10-54213967-T-A. GRCh37 (hg19) VCF-style: chr10-55973727-T-A.
Other names: c.1082A>T, p.Asp361Val (NM_001142763.2, NM_001142769.4, NM_001142771.2); c.1067A>T, p.Asp356Val (NM_001142764.2, NM_001142765.2, NM_001142766.2 and 7 more transcripts); c.956A>T, p.Asp319Val (NM_001142767.2); c.1001A>T, p.Asp334Val (NM_001142768.2, NM_001142773.2, NM_001354404.2); short protein forms D356V, D319V, D361V, D334V.
Identifiers: ClinVar variation 1042640 (VCV001042640.2), dbSNP rs2051721465, ClinGen allele CA376523503.
Genomic context (GRCh38, chr10:54,213,967, plus strand): 5'-CAAGGAAATAAGATATTAGCTTAATTTACCTTAATAACCAAATCAAATTTCTGGTGAAAG[T>A]CTCTGTTTACTGGCTCCAGGAGACTAAGTTCTGCTGTCCTAGGATGCATATGGAAAAATC-3'
Protein context (NP_001371069.1, residues 346-366): ELSLLEPVNR[Asp356Val]FHQKFDLVIK